The following is an entry in ClinVar:

ClinVar aggregate classification (germline): Likely pathogenic (1 of 4 stars; one submission).

Conditions:
Primary ciliary dyskinesia. Also called: Ciliary dyskinesia. Identifiers: Orphanet 244, MedGen C0008780, MONDO:0016575, HP:0012265.

Submission:

Department of Human Genetics, Hannover Medical School
Classification: Likely pathogenic for Primary Ciliary Dyskinesia. Last evaluated: 2026-04-01. Review status: criteria provided, single submitter. Criteria: ACMG Guidelines, 2015. Collection method: research. Allele origin: germline. Affected: no.
Comment: Classification performed by HerediClassify using the following criteria:['PM2_supporting: Variant occures does not occur as homozygous in gnomAD.', 'PVS1_protein_very_strong: Transcript ENST00000378714 is predicted to undergo NMD.']

NM_018518.5(MCM10):c.1036C>T (p.Gln346Ter)

Gene: MCM10 (minichromosome maintenance 10 replication initiation factor; plus strand). Cytogenetic location: 10p13.
Variant type: single nucleotide variant.
Coding change: c.1036C>T on transcript NM_018518.5 (MANE Select); coding-DNA position 1036, C replaced by T.
Protein change: p.Gln346Ter; replaces glutamine 346 with a stop codon.
Molecular consequence: nonsense.
Genome position (GRCh38, 1-based): chr10:13,183,038, C>T. VCF-style: chr10-13183038-C-T. GRCh37 (hg19) VCF-style: chr10-13225038-C-T.
Other names: c.1039C>T, p.Gln347Ter (NM_182751.3); short protein forms Q346*, Q347*.
Identifiers: ClinVar variation 4880081 (VCV004880081.1).
Genomic context (GRCh38, chr10:13,183,038, plus strand): 5'-ACACAATGTGTGTCCTTGTTCTTATTTGGAGAAGTTCACAAAGCGCTCTGGAAGACGGAG[C>T]AGGGGACTGTCGTAGGGATCCTCAATGCCAACCCCATGAAGCCCAAGGATGGTTCAGAGG-3'